The following is an entry in ClinVar:

ClinVar aggregate classification (germline): Pathogenic (1 of 4 stars; one submission).

Submission:

GeneDx
Classification: Pathogenic. Last evaluated: 2024-12-03. Review status: criteria provided, single submitter. Criteria: GeneDx Variant Classification Process June 2021. Collection method: clinical testing. Allele origin: germline.
Comment: Not observed at significant frequency in large population cohorts (gnomAD); In silico analysis supports that this missense variant has a deleterious effect on protein structure/function; This variant is associated with the following publications: (PMID: 33057194, 37743782, 35982159)

NM_145166.4(ZBTB47):c.1429G>A (p.Glu477Lys)

Gene: ZBTB47 (zinc finger and BTB domain containing 47; plus strand). Cytogenetic location: 3p22.1.
Variant type: single nucleotide variant.
Coding change: c.1429G>A on transcript NM_145166.4 (MANE Select); coding-DNA position 1429, G replaced by A.
Protein change: p.Glu477Lys; replaces glutamic acid 477 with lysine.
Molecular consequence: missense variant.
Genome position (GRCh38, 1-based): chr3:42,659,784, G>A. VCF-style: chr3-42659784-G-A. GRCh37 (hg19) VCF-style: chr3-42701276-G-A.
Other names: c.1513G>A, p.Glu505Lys (NM_001410746.1); short protein forms E477K, E505K.
Identifiers: ClinVar variation 1723211 (VCV001723211.3), dbSNP rs2471278661, ClinGen allele CA352279845.